The following is an entry in ClinVar:

NM_006517.5(SLC16A2):c.855dup (p.Ser286fs)

Gene: SLC16A2 (solute carrier family 16 member 2; plus strand). Cytogenetic location: Xq13.2.
Variant type: Duplication.
Coding change: c.855dup on transcript NM_006517.5 (MANE Select); coding-DNA position 855, one base duplicated (C; older notation c.855dupC).
Protein change: p.Ser286fs; shifts the reading frame from serine 286.
Molecular consequence: frameshift variant.
Genome position (GRCh38, 1-based): chrX:74,524,638, C duplicated; the last of 3 consecutive C bases (chrX:74,524,636-74,524,638); duplicating any one gives the same sequence. VCF-style (leftmost placement, unchanged base first): chrX-74524635-G-GC. GRCh37 (hg19) VCF-style: chrX-73744470-G-GC.
Other names: short protein forms S286fs.
Identifiers: ClinVar variation 1709764 (VCV001709764.2), dbSNP rs2519806711, ClinGen allele CA2580101375.
Genomic context (GRCh38, chrX:74,524,635, plus strand): 5'-GGTGCTGAGTACCTTCATGTTTGTTCTTATGCTGCTTTCACTCACCTACCGGCCCCTCCT[G>GC]CCCAGCTCCCAGGACACCCCAAGCAAGAGAGGTGTCCGCACCCTGCACCAGCGCTTTCTG-3'

ClinVar aggregate classification (germline): Likely pathogenic (1 of 4 stars; one submission).

Conditions:
Allan-Herndon-Dudley syndrome (AHDS). Also called: ALLAN-HERNDON SYNDROME; T3 RESISTANCE; TRIIODOTHYRONINE RESISTANCE; Passos-Bueno syndrome; MENTAL RETARDATION AND MUSCULAR ATROPHY. Identifiers: Orphanet 59, MedGen C0795889, MONDO:0010354, OMIM 300523.

Submission:

MGZ Medical Genetics Center
Classification: Likely pathogenic for Allan-Herndon-Dudley syndrome. Last evaluated: 2022-08-23. Review status: criteria provided, single submitter. Criteria: ACMG Guidelines, 2015. Collection method: clinical testing. Allele origin: germline. Affected: yes. Observed: 1 variant allele.
Comment: ACMG criteria applied: PVS1, PM2_SUP